The following is an entry in ClinVar:

NM_006506.5(RASA2):c.1747A>G (p.Lys583Glu)

Gene: RASA2 (RAS p21 protein activator 2; plus strand). Cytogenetic location: 3q23.
Variant type: single nucleotide variant.
Coding change: c.1747A>G on transcript NM_006506.5 (MANE Select); coding-DNA position 1747, A replaced by G.
Protein change: p.Lys583Glu; replaces lysine 583 with glutamic acid.
Molecular consequence: missense variant.
Genome position (GRCh38, 1-based): chr3:141,581,172, A>G. VCF-style: chr3-141581172-A-G. GRCh37 (hg19) VCF-style: chr3-141300014-A-G.
Other names: c.1747A>G, p.Lys583Glu (NM_001303245.3, NM_001303246.3); short protein forms K583E.
Identifiers: ClinVar variation 2884800 (VCV002884800.3), dbSNP rs2083108386, ClinGen allele CA354780378.

ClinVar aggregate classification (germline): Uncertain significance (1 of 4 stars; one submission).

gnomAD v4.1: 1 of 1,509,480 alleles (0.000066%); highest among the groups gnomAD compares: Non-Finnish European, 0.000088%; no homozygotes.

Submission:

Labcorp Genetics (formerly Invitae), Labcorp
Classification: Uncertain significance. Last evaluated: 2023-12-05. Review status: criteria provided, single submitter. Criteria: Invitae Variant Classification Sherloc (09022015). Collection method: clinical testing. Allele origin: germline.
Comment: This sequence change replaces lysine, which is basic and polar, with glutamic acid, which is acidic and polar, at codon 583 of the RASA2 protein (p.Lys583Glu). This variant is not present in population databases (gnomAD no frequency). This variant has not been reported in the literature in individuals affected with RASA2-related conditions. Advanced modeling of protein sequence and biophysical properties (such as structural, functional, and spatial information, amino acid conservation, physicochemical variation, residue mobility, and thermodynamic stability) performed at Invitae indicates that this missense variant is expected to disrupt RASA2 protein function with a positive predictive value of 80%. In summary, the available evidence is currently insufficient to determine the role of this variant in disease. Therefore, it has been classified as a Variant of Uncertain Significance.